The following is an entry in ClinVar:

ClinVar aggregate classification (germline): Benign/Likely benign. Review status: criteria provided, multiple submitters, no conflicts (2 of 4 stars). 15 submissions from 14 submitters: Benign (10); Likely benign (1). 4 of the submissions do not count toward it. Last evaluated 2026-02-04.

Conditions:
Developmental and epileptic encephalopathy, 14 (DEE14). Also called: Early infantile epileptic encephalopathy 14. Identifiers: Orphanet 293181, MedGen C3554195, MONDO:0013989, OMIM 614959.
Autosomal dominant nocturnal frontal lobe epilepsy 5. Also called: CILIARY DYSKINESIA, PRIMARY, 28, WITHOUT SITUS INVERSUS; Epilepsy, nocturnal frontal lobe, 5; KCNT1-Related Epilepsy; CILIARY DYSKINESIA, PRIMARY, 28, WITH SITUS INVERSUS. Identifiers: Orphanet 98784, MedGen C3554306, MONDO:0014002, OMIM 615005.
Inborn genetic diseases. Identifiers: MedGen C0950123, MeSH D030342.

Allele frequency attached by ClinVar (database versions not stated): TOPMed 0.63026; ESP Exome Variant Server 0.63494; gnomAD 0.64398 and 0.64662; 1000 Genomes Project 30x 0.64928; 1000 Genomes Project 0.65216; gnomAD exomes 0.66785 and 0.68067; ExAC 0.66869.
gnomAD v4.1: 1,091,578 of 1,613,708 alleles (68%); highest among the groups gnomAD compares: South Asian, 74%; 372,007 homozygotes.

Submissions (15):

Labcorp Genetics (formerly Invitae), Labcorp
Classification: Benign for Autosomal dominant nocturnal frontal lobe epilepsy 5; Developmental and epileptic encephalopathy, 14. Last evaluated: 2026-02-04. Review status: criteria provided, single submitter. Criteria: Invitae Variant Classification Sherloc (09022015). Collection method: clinical testing. Allele origin: germline.

Blueprint Genetics
Classification: Likely benign. Last evaluated: 2024-11-27. Review status: criteria provided, single submitter. Criteria: ACMG Guidelines, 2015. Collection method: clinical testing. Allele origin: germline.

Unidad de Genómica Garrahan, Hospital de Pediatría Garrahan
Classification: Benign. Last evaluated: 2024-07-15. Review status: criteria provided, single submitter. Criteria: ACMG Guidelines, 2015. Collection method: clinical testing. Allele origin: germline. Affected: no. Observed: 82 variant alleles.
Comment: This variant is classified as Benign based on local population frequency. This variant was detected in 88% of patients studied in a panel designed for Epileptic and Developmental Encephalopathy and Progressive Myoclonus Epilepsy. Number of patients: 82. Only high quality variants are reported.

Genome-Nilou Lab
Classification: Benign for Developmental and epileptic encephalopathy, 14. Last evaluated: 2021-08-19. Review status: criteria provided, single submitter. Criteria: ACMG Guidelines, 2015. Collection method: clinical testing. Allele origin: germline. Affected: no.

Genome-Nilou Lab
Classification: Benign for Autosomal dominant nocturnal frontal lobe epilepsy 5. Last evaluated: 2021-08-19. Review status: criteria provided, single submitter. Criteria: ACMG Guidelines, 2015. Collection method: clinical testing. Allele origin: germline. Affected: no.

Athena Diagnostics
Classification: Benign. Last evaluated: 2018-05-06. Review status: criteria provided, single submitter. Criteria: Athena Diagnostics Criteria. Collection method: clinical testing. Allele origin: germline.

Mayo Clinic Laboratories, Mayo Clinic
Classification: Benign. Last evaluated: 2018-04-02. Review status: criteria provided, single submitter. Criteria: ACMG Guidelines, 2015. Collection method: clinical testing. Allele origin: germline. Observed: 489 variant alleles.

GeneDx
Classification: Benign. Last evaluated: 2016-01-04. Review status: criteria provided, single submitter. Criteria: GeneDx Variant Classification (06012015). Collection method: clinical testing. Allele origin: germline. Affected: yes.
Comment: This variant is considered likely benign or benign based on one or more of the following criteria: it is a conservative change, it occurs at a poorly conserved position in the protein, it is predicted to be benign by multiple in silico algorithms, and/or has population frequency not consistent with disease.

Ambry Genetics
Classification: Benign for Inborn genetic diseases. Last evaluated: 2015-12-31. Review status: criteria provided, single submitter. Criteria: Ambry Variant Classification Scheme 2023. Collection method: clinical testing. Allele origin: germline.

Breakthrough Genomics
Classification: Benign. Review status: criteria provided, single submitter. Criteria: ACMG Guidelines, 2015. Collection method: not provided. Allele origin: germline. Inheritance: Autosomal dominant inheritance. Affected: yes.

PreventionGenetics, part of Exact Sciences
Classification: Benign. Review status: criteria provided, single submitter. Criteria: ACMG Guidelines, 2015. Collection method: clinical testing. Allele origin: germline.

Clinical Genetics, Academic Medical Center
Classification: Benign. Review status: no assertion criteria provided. Collection method: clinical testing. Allele origin: germline. Affected: yes. Study: VKGL Data-share Consensus. Not counted in ClinVar's aggregate classification.

Diagnostic Laboratory, Department of Genetics, University Medical Center Groningen
Classification: Benign. Review status: no assertion criteria provided. Collection method: clinical testing. Allele origin: germline. Affected: yes. Study: VKGL Data-share Consensus. Not counted in ClinVar's aggregate classification.

Genetic Services Laboratory, University of Chicago
Classification: Likely benign for AllHighlyPenetrant. Review status: no assertion criteria provided. Collection method: clinical testing. Allele origin: germline. Inheritance: Autosomal dominant inheritance. Not counted in ClinVar's aggregate classification.
Comment: Likely benign based on allele frequency in 1000 Genomes Project or ESP global frequency and its presence in a patient with a rare or unrelated disease phenotype. NOT Sanger confirmed.

Joint Genome Diagnostic Labs from Nijmegen and Maastricht, Radboudumc and MUMC+
Classification: Benign. Review status: no assertion criteria provided. Collection method: clinical testing. Allele origin: germline. Affected: yes. Study: VKGL Data-share Consensus. Not counted in ClinVar's aggregate classification.

NM_020822.3(KCNT1):c.2427G>A (p.Thr809=)

Gene: KCNT1 (potassium sodium-activated channel subfamily T member 1; plus strand). Cytogenetic location: 9q34.3.
Variant type: single nucleotide variant.
Coding change: c.2427G>A on transcript NM_020822.3 (MANE Select); coding-DNA position 2427, G replaced by A.
Protein change: p.Thr809=; no amino-acid change (threonine 809 retained).
Molecular consequence: synonymous variant.
Genome position (GRCh38, 1-based): chr9:135,777,415, G>A. VCF-style: chr9-135777415-G-A. GRCh37 (hg19) VCF-style: chr9-138669261-G-A.
Other names: p.Thr809=; c.2292G>A, p.Thr764= (NM_001272003.2).
Identifiers: ClinVar variation 129357 (VCV000129357.35), dbSNP rs914428, ClinGen allele CA153309.